The following is an entry in ClinVar:

NM_000458.4(HNF1B):c.499G>A (p.Ala167Thr)

Gene: HNF1B (HNF1 homeobox B; minus strand). Cytogenetic location: 17q12.
Variant type: single nucleotide variant.
Coding change: c.499G>A on transcript NM_000458.4 (MANE Select); coding-DNA position 499, G replaced by A.
Protein change: p.Ala167Thr; replaces alanine 167 with threonine.
Molecular consequence: missense variant.
Genome position (GRCh38, 1-based): chr17:37,739,485, C>T on the plus strand (G>A on the coding strand, the complement: HNF1B is on the minus strand). VCF-style: chr17-37739485-C-T. GRCh37 (hg19) VCF-style: chr17-36099476-C-T.
Other names: c.499G>A, p.Ala167Thr (NM_001165923.4, NM_001304286.2); short protein forms A167T.
Identifiers: ClinVar variation 635682 (VCV000635682.1), dbSNP rs757452269, ClinGen allele CA8519070.
Genomic context (GRCh38, chr17:37,739,485, plus strand): 5'-GATGAAAACACTTACGTCGGAGGATCTCTCGTTGCTTTCTGACGTACCAGGTGTACAGAG[C>T]GGCACGCTTCTGGGTCTTCATAGGGGTGCCCTTGTTGAGATGCTGGGAGAGGTGCGACTG-3'
Protein context (NP_000449.1, residues 157-177): GTPMKTQKRA[Ala167Thr]LYTWYVRKQR

ClinVar aggregate classification (germline): Uncertain significance (1 of 4 stars; one submission).

Conditions:
Renal cysts and diabetes syndrome (RCAD). Also called: Familial hypoplastic, glomerulocystic kidney; MATURITY-ONSET DIABETES OF THE YOUNG, TYPE 5. Identifiers: Orphanet 93111, MedGen C0431693, MONDO:0007669, OMIM 137920.

Allele frequency attached by ClinVar (database versions not stated): gnomAD exomes below 0.00001; ExAC 0.00001.
gnomAD v4.1: 2 of 1,614,128 alleles (0.00012%); highest among the groups gnomAD compares: Admixed American, 0.0017%; no homozygotes.

Submission:

Institute of Human Genetics, FAU Erlangen, Friedrich-Alexander-Universität Erlangen-Nürnberg
Classification: Uncertain significance for Renal cysts and diabetes syndrome. Last evaluated: 2019-07-06. Review status: criteria provided, single submitter. Criteria: ACMG Guidelines, 2015. Collection method: literature only. Allele origin: germline. Affected: yes.
Comment: This variant and it's classification has been reported by Vasileiou et al. 2019; DOI:10.1101/576918. The variants has previously been reported in PMID:24429398 as "c.499G>A p.A167T" with clinical significance Pathogenic. It has been re-classified using InterVar and manual curation as Uncertain significance based on PM1 PP3 PP5.

Literature cited by the submitters: PubMed 24429398; DOI 10.1101/576918.